The following is an entry in ClinVar:

NM_020708.5(SLC12A5):c.2548-8G>A

Gene: SLC12A5 (solute carrier family 12 member 5; plus strand). Cytogenetic location: 20q13.12.
Variant type: single nucleotide variant.
Coding change: c.2548-8G>A on transcript NM_020708.5 (MANE Select); 8 bases into the intron before coding-DNA position 2548, G replaced by A.
Molecular consequence: intron variant.
Genome position (GRCh38, 1-based): chr20:46,053,570, G>A. VCF-style: chr20-46053570-G-A. GRCh37 (hg19) VCF-style: chr20-44682209-G-A.
Other names: p.?; c.2617-8G>A (NM_001134771.2).
Identifiers: ClinVar variation 1080872 (VCV001080872.10), dbSNP rs180864043, ClinGen allele CA9887649.

ClinVar aggregate classification (germline): Likely benign. Review status: criteria provided, multiple submitters, no conflicts (2 of 4 stars). 2 submissions from 2 submitters: Likely benign (2). Last evaluated 2026-01-28.

Conditions:
Developmental and epileptic encephalopathy, 34 (DEE34). Also called: Early infantile epileptic encephalopathy 34; SLC12A5-Related Epilepsy of Infancy with Migrating Focal Seizures. Identifiers: Orphanet 293181, MedGen C4225257, MONDO:0014718, OMIM 616645.

Allele frequency attached by ClinVar (database versions not stated): 1000 Genomes Project 0.00060; 1000 Genomes Project 30x 0.00062; ExAC 0.00010; gnomAD exomes 0.00011; gnomAD 0.00029; TOPMed 0.00032; ESP Exome Variant Server 0.00054.
gnomAD v4.1: 120 of 1,613,320 alleles (0.0074%); highest among the groups gnomAD compares: African/African-American, 0.15%; no homozygotes.

Submissions (2):

Labcorp Genetics (formerly Invitae), Labcorp
Classification: Likely benign for Developmental and epileptic encephalopathy, 34. Last evaluated: 2026-01-28. Review status: criteria provided, single submitter. Criteria: Invitae Variant Classification Sherloc (09022015). Collection method: clinical testing. Allele origin: germline.

Mayo Clinic Laboratories, Mayo Clinic
Classification: Likely benign. Last evaluated: 2025-11-23. Review status: criteria provided, single submitter. Criteria: ACMG Guidelines, 2015. Collection method: clinical testing. Allele origin: germline. Observed: 1 variant allele.
Comment: BP4, BP7